The following is an entry in ClinVar:

ClinVar aggregate classification (germline): Uncertain significance. Review status: criteria provided, multiple submitters, no conflicts (2 of 4 stars). 2 submissions from 2 submitters: Uncertain significance (2). Last evaluated 2024-02-16.

Conditions:
Developmental and epileptic encephalopathy, 36 (DEE36). Also called: Epileptic encephalopathy, early infantile, 36; Congenital disorder of glycosylation, type Is; ALG13-CDG. Identifiers: Orphanet 324422, MedGen C4317295, MONDO:0010472, OMIM 300884.

Submissions (2):

GeneDx
Classification: Uncertain significance. Last evaluated: 2024-02-16. Review status: criteria provided, single submitter. Criteria: GeneDx Variant Classification Process June 2021. Collection method: clinical testing. Allele origin: germline. Affected: yes.
Comment: Not observed at significant frequency in large population cohorts (gnomAD); In silico analysis supports that this missense variant has a deleterious effect on protein structure/function; Has not been previously published as pathogenic or benign to our knowledge

Fulgent Genetics
Classification: Uncertain significance for Developmental and epileptic encephalopathy, 36. Last evaluated: 2021-12-26. Review status: criteria provided, single submitter. Criteria: ACMG Guidelines, 2015. Collection method: clinical testing. Allele origin: unknown.

NM_001099922.3(ALG13):c.2639C>A (p.Ser880Tyr)

Gene: ALG13 (ALG13 UDP-N-acetylglucosaminyltransferase subunit; plus strand). Cytogenetic location: Xq23.
Variant type: single nucleotide variant.
Coding change: c.2639C>A on transcript NM_001099922.3 (MANE Select); coding-DNA position 2639, C replaced by A.
Protein change: p.Ser880Tyr; replaces serine 880 with tyrosine.
Molecular consequence: missense variant. On other transcripts: non-coding transcript variant (1).
Genome position (GRCh38, 1-based): chrX:111,736,823, C>A. VCF-style: chrX-111736823-C-A. GRCh37 (hg19) VCF-style: chrX-110980051-C-A.
Other names: c.2327C>A, p.Ser776Tyr (NM_001257230.2, NM_001257234.2, NM_001257237.2); c.2405C>A, p.Ser802Tyr (NM_001257231.2); c.2639C>A, p.Ser880Tyr (NM_001324292.2); c.2153C>A, p.Ser718Tyr (NM_001324293.1); short protein forms S880Y, S802Y, S718Y, S776Y.
Identifiers: ClinVar variation 450368 (VCV000450368.4), dbSNP rs1556517088, ClinGen allele CA414254524.